The following is an entry in ClinVar:

ClinVar aggregate classification (germline): Benign/Likely benign. Review status: criteria provided, multiple submitters, no conflicts (2 of 4 stars). 6 submissions from 6 submitters: Benign (3); Likely benign (3). Last evaluated 2026-02-02.

Conditions:
Epilepsy, childhood absence, susceptibility to, 6. Identifiers: Orphanet 64280, MedGen C2749872, MONDO:0012763, OMIM 611942.
Hyperaldosteronism, familial, type IV (HALD4). Also called: FH IV; ALDOSTERONISM, PRIMARY, AND HYPERTENSION. Identifiers: Orphanet 642671, MedGen C4310756, MONDO:0014875, OMIM 617027.
Idiopathic generalized epilepsy. Also called: Generalised epilepsy; EIG. Identifiers: MedGen C0270850, MONDO:0005579, OMIM 600669.

Allele frequency attached by ClinVar (database versions not stated): gnomAD 0.00484 and 0.00511; TOPMed 0.00558; 1000 Genomes Project 0.00559; ESP Exome Variant Server 0.00574; 1000 Genomes Project 30x 0.00656.
gnomAD v4.1: 1,438 of 1,613,028 alleles (0.089%); highest among the groups gnomAD compares: African/African-American, 1.7%; 7 homozygotes.

Submissions (6):

Labcorp Genetics (formerly Invitae), Labcorp
Classification: Benign for Idiopathic generalized epilepsy; Hyperaldosteronism, familial, type IV. Last evaluated: 2026-02-02. Review status: criteria provided, single submitter. Criteria: Invitae Variant Classification Sherloc (09022015). Collection method: clinical testing. Allele origin: germline.

Mayo Clinic Laboratories, Mayo Clinic
Classification: Likely benign. Last evaluated: 2025-06-20. Review status: criteria provided, single submitter. Criteria: ACMG Guidelines, 2015. Collection method: clinical testing. Allele origin: germline. Observed: 1 variant allele.
Comment: BS1, BP4, BP7

Blueprint Genetics
Classification: Likely benign. Last evaluated: 2024-10-03. Review status: criteria provided, single submitter. Criteria: ACMG Guidelines, 2015. Collection method: clinical testing. Allele origin: germline.

Fulgent Genetics
Classification: Likely benign for Epilepsy, childhood absence, susceptibility to, 6; Hyperaldosteronism, familial, type IV. Last evaluated: 2021-08-13. Review status: criteria provided, single submitter. Criteria: ACMG Guidelines, 2015. Collection method: clinical testing. Allele origin: unknown.

Athena Diagnostics
Classification: Benign. Last evaluated: 2018-06-20. Review status: criteria provided, single submitter. Criteria: Athena Diagnostics Criteria. Collection method: clinical testing. Allele origin: germline.

Breakthrough Genomics
Classification: Benign. Review status: criteria provided, single submitter. Criteria: ACMG Guidelines, 2015. Collection method: not provided. Allele origin: germline. Inheritance: Autosomal dominant inheritance. Affected: yes.

NM_021098.3(CACNA1H):c.4983C>A (p.Val1661=)

Gene: CACNA1H (calcium voltage-gated channel subunit alpha1 H; plus strand). Cytogenetic location: 16p13.3.
Variant type: single nucleotide variant.
Coding change: c.4983C>A on transcript NM_021098.3 (MANE Select); coding-DNA position 4983, C replaced by A.
Protein change: p.Val1661=; no amino-acid change (valine 1661 retained).
Molecular consequence: synonymous variant.
Genome position (GRCh38, 1-based): chr16:1,215,025, C>A. VCF-style: chr16-1215025-C-A. GRCh37 (hg19) VCF-style: chr16-1265025-C-A.
Other names: p.Val1661=; c.4965C>A, p.Val1655= (NM_001005407.2).
Identifiers: ClinVar variation 529622 (VCV000529622.17), dbSNP rs61382101, ClinGen allele CA7801726.